The following is an entry in ClinVar:

NM_000321.3(RB1):c.1765G>A (p.Ala589Thr)

Gene: RB1 (RB transcriptional corepressor 1; plus strand). Cytogenetic location: 13q14.2.
Variant type: single nucleotide variant.
Coding change: c.1765G>A on transcript NM_000321.3 (MANE Select); coding-DNA position 1765, G replaced by A.
Protein change: p.Ala589Thr; replaces alanine 589 with threonine.
Molecular consequence: missense variant.
Genome position (GRCh38, 1-based): chr13:48,453,062, G>A. VCF-style: chr13-48453062-G-A. GRCh37 (hg19) VCF-style: chr13-49027198-G-A.
Other names: short protein forms A589T.
Identifiers: ClinVar variation 954859 (VCV000954859.12), dbSNP rs1949338354, ClinGen allele CA388165567.

ClinVar aggregate classification (germline): Conflicting classifications of pathogenicity. Review status: criteria provided, conflicting classifications (1 of 4 stars). 2 submissions from 2 submitters: Uncertain significance (1); Likely benign (1). Last evaluated 2026-09-11.

Conditions:
Hereditary cancer-predisposing syndrome. Also called: Neoplastic Syndromes, Hereditary; Hereditary Cancer Syndrome; Tumor predisposition; Hereditary neoplastic syndrome. Identifiers: Orphanet 140162, MedGen C0027672, MeSH D009386, MONDO:0015356.
Retinoblastoma (RB1). Also called: RETINOBLASTOMA, SOMATIC. Identifiers: Orphanet 790, MedGen C0035335, MeSH D012175, MONDO:0008380, OMIM 180200, HP:0009919. Disease mechanism: loss of function. Inheritance: Both sporadic and heritable forms are tested..

Submissions (2):

Ambry Genetics
Classification: Likely benign for Hereditary cancer-predisposing syndrome. Last evaluated: 2026-09-11. Review status: criteria provided, single submitter. Criteria: Ambry Variant Classification Scheme 2023. Collection method: clinical testing. Allele origin: germline.

Labcorp Genetics (formerly Invitae), Labcorp
Classification: Uncertain significance for Retinoblastoma. Last evaluated: 2023-07-10. Review status: criteria provided, single submitter. Criteria: Invitae Variant Classification Sherloc (09022015). Collection method: clinical testing. Allele origin: germline.
Comment: In summary, the available evidence is currently insufficient to determine the role of this variant in disease. Therefore, it has been classified as a Variant of Uncertain Significance. Advanced modeling of protein sequence and biophysical properties (such as structural, functional, and spatial information, amino acid conservation, physicochemical variation, residue mobility, and thermodynamic stability) performed at Invitae indicates that this missense variant is not expected to disrupt RB1 protein function. ClinVar contains an entry for this variant (Variation ID: 954859). This variant has not been reported in the literature in individuals affected with RB1-related conditions. This variant is not present in population databases (gnomAD no frequency). This sequence change replaces alanine, which is neutral and non-polar, with threonine, which is neutral and polar, at codon 589 of the RB1 protein (p.Ala589Thr).